The following is an entry in ClinVar:

ClinVar aggregate classification (germline): Uncertain significance (1 of 4 stars; one submission).

Submission:

Labcorp Genetics (formerly Invitae), Labcorp
Classification: Uncertain significance. Last evaluated: 2023-11-27. Review status: criteria provided, single submitter. Criteria: Invitae Variant Classification Sherloc (09022015). Collection method: clinical testing. Allele origin: germline.
Comment: This sequence change replaces glutamine, which is neutral and polar, with histidine, which is basic and polar, at codon 100 of the ELP1 protein (p.Gln100His). This variant is not present in population databases (gnomAD no frequency). This variant has not been reported in the literature in individuals affected with ELP1-related conditions. ClinVar contains an entry for this variant (Variation ID: 2124590). Advanced modeling of protein sequence and biophysical properties (such as structural, functional, and spatial information, amino acid conservation, physicochemical variation, residue mobility, and thermodynamic stability) performed at Invitae indicates that this missense variant is not expected to disrupt ELP1 protein function with a negative predictive value of 80%. In summary, the available evidence is currently insufficient to determine the role of this variant in disease. Therefore, it has been classified as a Variant of Uncertain Significance.

NM_003640.5(ELP1):c.300A>T (p.Gln100His)

Gene: ELP1 (elongator acetyltransferase complex subunit 1; minus strand). Cytogenetic location: 9q31.3.
Variant type: single nucleotide variant.
Coding change: c.300A>T on transcript NM_003640.5 (MANE Select); coding-DNA position 300, A replaced by T.
Protein change: p.Gln100His; replaces glutamine 100 with histidine.
Molecular consequence: missense variant. On other transcripts: 5 prime UTR variant (2).
Genome position (GRCh38, 1-based): chr9:108,929,772, T>A on the plus strand (A>T on the coding strand, the complement: ELP1 is on the minus strand). VCF-style: chr9-108929772-T-A. GRCh37 (hg19) VCF-style: chr9-111692052-T-A.
Other names: c.-43A>T (NM_001318360.2); c.-560A>T (NM_001330749.2); short protein forms Q100H.
Identifiers: ClinVar variation 2124590 (VCV002124590.4), dbSNP rs2537963657, ClinGen allele CA374393510.